The following is an entry in ClinVar:

NM_012193.4(FZD4):c.957del (p.Trp319fs)

Genes: FZD4 (frizzled class receptor 4; minus strand), PRSS23 (serine protease 23; plus strand). Cytogenetic location: 11q14.2.
Variant type: Deletion.
Coding change: c.957del on transcript NM_012193.4 (MANE Select); coding-DNA position 957, one base deleted (G; older notation c.957delG).
Protein change: p.Trp319fs; shifts the reading frame from tryptophan 319.
Molecular consequence: frameshift variant. On other transcripts: non-coding transcript variant (2).
Genome position (GRCh38, 1-based): chr11:86,951,799, C deleted on the plus strand (G on the coding strand, the reverse complement: FZD4 is on the minus strand); the first of 2 consecutive C bases (chr11:86,951,799-86,951,800); deleting either gives the same sequence. VCF-style (leftmost placement, unchanged base first): chr11-86951798-AC-A. GRCh37 (hg19) VCF-style: chr11-86662840-AC-A.
Other names: short protein forms W319fs.
Identifiers: ClinVar variation 2137212 (VCV002137212.4), dbSNP rs80358290, ClinGen allele CA225381017.

ClinVar aggregate classification (germline): Pathogenic (1 of 4 stars; one submission).

Submission:

Labcorp Genetics (formerly Invitae), Labcorp
Classification: Pathogenic. Last evaluated: 2022-08-12. Review status: criteria provided, single submitter. Criteria: Invitae Variant Classification Sherloc (09022015). Collection method: clinical testing. Allele origin: germline.
Comment: This sequence change creates a premature translational stop signal (p.Trp319Cysfs*5) in the FZD4 gene. While this is not anticipated to result in nonsense mediated decay, it is expected to disrupt the last 219 amino acid(s) of the FZD4 protein. This variant is not present in population databases (gnomAD no frequency). This premature translational stop signal has been observed in individual(s) with familial exudative vitreoretinopathy (PMID: 15223780). This variant disrupts a region of the FZD4 protein in which other variant(s) (p.Gln505*) have been determined to be pathogenic (PMID: 15223780, 23077402). This suggests that this is a clinically significant region of the protein, and that variants that disrupt it are likely to be disease-causing. For these reasons, this variant has been classified as Pathogenic.

Literature cited by the submitters: PubMed 15223780; PubMed 23077402.